The following is an entry in ClinVar:

NM_000361.3(THBD):c.1075G>A (p.Asp359Asn)

Gene: THBD (thrombomodulin; minus strand). Cytogenetic location: 20p11.21.
Variant type: single nucleotide variant.
Coding change: c.1075G>A on transcript NM_000361.3 (MANE Select); coding-DNA position 1075, G replaced by A.
Protein change: p.Asp359Asn; replaces aspartic acid 359 with asparagine.
Molecular consequence: missense variant.
Genome position (GRCh38, 1-based): chr20:23,048,430, C>T on the plus strand (G>A on the coding strand, the complement: THBD is on the minus strand). VCF-style: chr20-23048430-C-T. GRCh37 (hg19) VCF-style: chr20-23029067-C-T.
Other names: short protein forms D359N.
Identifiers: ClinVar variation 4743025 (VCV004743025.1).

ClinVar aggregate classification (germline): Uncertain significance (1 of 4 stars; one submission).

Submission:

Labcorp Genetics (formerly Invitae), Labcorp
Classification: Uncertain significance. Last evaluated: 2025-03-01. Review status: criteria provided, single submitter. Criteria: Invitae Variant Classification Sherloc (09022015). Collection method: clinical testing. Allele origin: germline.
Comment: This sequence change replaces aspartic acid, which is acidic and polar, with asparagine, which is neutral and polar, at codon 359 of the THBD protein (p.Asp359Asn). This variant is not present in population databases (gnomAD no frequency). This variant has not been reported in the literature in individuals affected with THBD-related conditions. Invitae Evidence Modeling of protein sequence and biophysical properties (such as structural, functional, and spatial information, amino acid conservation, physicochemical variation, residue mobility, and thermodynamic stability) indicates that this missense variant is not expected to disrupt THBD protein function with a negative predictive value of 80%. In summary, the available evidence is currently insufficient to determine the role of this variant in disease. Therefore, it has been classified as a Variant of Uncertain Significance.